The following is an entry in ClinVar:

NM_001271.4(CHD2):c.5120G>A (p.Arg1707Gln)

Gene: CHD2 (chromodomain helicase DNA binding protein 2; plus strand). Cytogenetic location: 15q26.1.
Variant type: single nucleotide variant.
Coding change: c.5120G>A on transcript NM_001271.4 (MANE Select); coding-DNA position 5120, G replaced by A.
Protein change: p.Arg1707Gln; replaces arginine 1707 with glutamine.
Molecular consequence: missense variant.
Genome position (GRCh38, 1-based): chr15:93,020,225, G>A. VCF-style: chr15-93020225-G-A. GRCh37 (hg19) VCF-style: chr15-93563455-G-A.
Other names: short protein forms R1707Q.
Identifiers: ClinVar variation 588817 (VCV000588817.23), dbSNP rs61759469, ClinGen allele CA7748654.
Genomic context (GRCh38, chr15:93,020,225, plus strand): 5'-GAAGCTATCGACCCAACAACATGTCCAGAAAGAGGCCTTATGACCAGTACAGCAGTGACC[G>A]AGACCACCGGGGACACAGAGATTATTATGACAGGTATGCAAAAGGCTGTGAGACACCAGG-3'
Protein context (NP_001262.3, residues 1697-1717): KRPYDQYSSD[Arg1707Gln]DHRGHRDYYD

ClinVar aggregate classification (germline): Conflicting classifications of pathogenicity. Review status: criteria provided, conflicting classifications (1 of 4 stars). 7 submissions from 7 submitters: Uncertain significance (3); Likely benign (4). Last evaluated 2026-06-01.

Conditions:
Developmental and epileptic encephalopathy 94 (DEE94). Also called: Epileptic encephalopathy, childhood-onset; CHD2-Related Neurodevelopmental Disorders. Identifiers: Orphanet 1942, Orphanet 2382, MedGen C3809278, MONDO:0014150, OMIM 615369.
Inborn genetic diseases. Identifiers: MedGen C0950123, MeSH D030342.

Allele frequency attached by ClinVar (database versions not stated): ExAC 0.00001; gnomAD 0.00001; gnomAD exomes 0.00001 and 0.00004; TOPMed 0.00004.
gnomAD v4.1: 23 of 1,613,990 alleles (0.0014%); highest among the groups gnomAD compares: Admixed American, 0.01%; no homozygotes.

Submissions (7):

CeGaT Center for Human Genetics Tuebingen
Classification: Likely benign. Last evaluated: 2026-06-01. Review status: criteria provided, single submitter. Criteria: CeGaT Center For Human Genetics Tuebingen Variant Classification Criteria Version 2. Collection method: clinical testing. Allele origin: germline. Affected: yes. Observed: 1 variant allele.
Comment: CHD2: BS2

Labcorp Genetics (formerly Invitae), Labcorp
Classification: Likely benign for Developmental and epileptic encephalopathy 94. Last evaluated: 2025-12-05. Review status: criteria provided, single submitter. Criteria: Invitae Variant Classification Sherloc (09022015). Collection method: clinical testing. Allele origin: germline.

3billion
Classification: Uncertain significance for Developmental and epileptic encephalopathy 94. Last evaluated: 2025-05-29. Review status: criteria provided, single submitter. Criteria: ACMG Guidelines, 2015. Collection method: clinical testing. Allele origin: germline. Affected: yes.
Comment: The variant is observed at an extremely low frequency in the gnomAD v4.1.0 dataset (total allele frequency: 0.001%). Predicted Consequence/Location: Missense variant Damaging effect on gene or gene product predicted by in silico programs is uncertain [REVEL: 0.58 (damaging >=0.6, benign <0.4)]. The variant has been previously reported as de novo in a similarly affected individual (PMID: 31677157). The variant has been reported as benign without evidence for the classification (ClinVar ID: VCV000588817). Therefore, this variant is classified as VUS according to the recommendation of ACMG/AMP guideline.

Revvity Omics, Revvity
Classification: Uncertain significance for Developmental and epileptic encephalopathy 94. Last evaluated: 2024-06-20. Review status: criteria provided, single submitter. Criteria: ACMG Guidelines, 2015. Collection method: clinical testing. Allele origin: germline.

Athena Diagnostics
Classification: Uncertain significance. Last evaluated: 2019-10-23. Review status: criteria provided, single submitter. Criteria: Athena Diagnostics Criteria. Collection method: clinical testing. Allele origin: unknown.

Ambry Genetics
Classification: Likely benign for Inborn genetic diseases. Last evaluated: 2018-10-18. Review status: criteria provided, single submitter. Criteria: Ambry Variant Classification Scheme 2023. Collection method: clinical testing. Allele origin: germline.

GeneDx
Classification: Likely benign. Last evaluated: 2018-05-01. Review status: criteria provided, single submitter. Criteria: GeneDx Variant Classification (06012015). Collection method: clinical testing. Allele origin: germline. Affected: yes.
Comment: This variant is considered likely benign or benign based on one or more of the following criteria: it is a conservative change, it occurs at a poorly conserved position in the protein, it is predicted to be benign by multiple in silico algorithms, and/or has population frequency not consistent with disease.

Literature cited by the submitters: PubMed 31677157 (cited by 3billion); PubMed 15955779 (cited by Ambry Genetics); PubMed 26615199 (cited by Ambry Genetics).